The following is an entry in ClinVar:

NM_000245.4(MET):c.1527G>A (p.Lys509=)

Gene: MET (MET proto-oncogene, receptor tyrosine kinase; plus strand). Cytogenetic location: 7q31.2.
Variant type: single nucleotide variant.
Coding change: c.1527G>A on transcript NM_000245.4 (MANE Select); coding-DNA position 1527, G replaced by A.
Protein change: p.Lys509=; no amino-acid change (lysine 509 retained).
Molecular consequence: synonymous variant.
Genome position (GRCh38, 1-based): chr7:116,740,084, G>A. VCF-style: chr7-116740084-G-A. GRCh37 (hg19) VCF-style: chr7-116380138-G-A.
Other names: c.1527G>A, p.Lys509= (NM_001127500.3, NM_001324401.3); c.237G>A, p.Lys79= (NM_001324402.2).
Identifiers: ClinVar variation 3696937 (VCV003696937.3).

ClinVar aggregate classification (germline): Uncertain significance. Review status: criteria provided, multiple submitters, no conflicts (2 of 4 stars). 2 submissions from 2 submitters: Uncertain significance (2). Last evaluated 2025-02-13.

Conditions:
Renal cell carcinoma. Identifiers: Orphanet 217071, MedGen C0007134, MeSH D002292, MONDO:0005086, HP:0005584.
Hereditary cancer-predisposing syndrome. Also called: Tumor predisposition; Neoplastic Syndromes, Hereditary; Hereditary Cancer Syndrome; Hereditary neoplastic syndrome. Identifiers: Orphanet 140162, MedGen C0027672, MeSH D009386, MONDO:0015356.

Submissions (2):

Ambry Genetics
Classification: Uncertain significance for Hereditary cancer-predisposing syndrome. Last evaluated: 2025-02-13. Review status: criteria provided, single submitter. Criteria: Ambry Variant Classification Scheme 2023. Collection method: clinical testing. Allele origin: germline.
Comment: The c.1527G>A variant (also known as p.K509K), located in coding exon 3 of the MET gene, results from a G to A substitution at nucleotide position 1527. This nucleotide substitution does not change the lysine at codon 509. However, this change occurs in the last base pair of coding exon 3, which makes it likely to have some effect on normal mRNA splicing. This nucleotide position is well conserved in available vertebrate species. In silico splice site analysis predicts that this alteration will not have any significant effect on splicing. Based on the available evidence, the clinical significance of this variant remains unclear.

Labcorp Genetics (formerly Invitae), Labcorp
Classification: Uncertain significance for Renal cell carcinoma. Last evaluated: 2025-01-12. Review status: criteria provided, single submitter. Criteria: Invitae Variant Classification Sherloc (09022015). Collection method: clinical testing. Allele origin: germline.
Comment: This sequence change affects codon 509 of the MET mRNA. It is a 'silent' change, meaning that it does not change the encoded amino acid sequence of the MET protein. This variant also falls at the last nucleotide of exon 4, which is part of the consensus splice site for this exon. This variant is not present in population databases (gnomAD no frequency). This variant has not been reported in the literature in individuals affected with MET-related conditions. Variants that disrupt the consensus splice site are a relatively common cause of aberrant splicing (PMID: 17576681, 9536098). Algorithms developed to predict the effect of sequence changes on RNA splicing suggest that this variant is not likely to affect RNA splicing. In summary, the available evidence is currently insufficient to determine the role of this variant in disease. Therefore, it has been classified as a Variant of Uncertain Significance.

Literature cited by the submitters: PubMed 17576681 (cited by Labcorp Genetics (formerly Invitae), Labcorp); PubMed 9536098 (cited by Labcorp Genetics (formerly Invitae), Labcorp).